The following is an entry in ClinVar:

NM_001105206.3(LAMA4):c.1577A>C (p.Gln526Pro)

Gene: LAMA4 (laminin subunit alpha 4; minus strand). Cytogenetic location: 6q21.
Variant type: single nucleotide variant.
Coding change: c.1577A>C on transcript NM_001105206.3 (MANE Select); coding-DNA position 1577, A replaced by C.
Protein change: p.Gln526Pro; replaces glutamine 526 with proline.
Molecular consequence: missense variant.
Genome position (GRCh38, 1-based): chr6:112,165,251, T>G on the plus strand (A>C on the coding strand, the complement: LAMA4 is on the minus strand). VCF-style: chr6-112165251-T-G. GRCh37 (hg19) VCF-style: chr6-112486453-T-G.
Other names: c.1556A>C, p.Gln519Pro (NM_001105207.3, NM_002290.5); short protein forms Q526P, Q519P.
Identifiers: ClinVar variation 2450335 (VCV002450335.3), dbSNP rs2547092339, ClinGen allele CA365368183.
Genomic context (GRCh38, chr6:112,165,251, plus strand): 5'-AGACGAGGTGTTGTCAGAGAGTCCGCAGATGTGCTCAGAGACATGTTCACCACTTCCATT[T>G]GTTCCCTCACTCTTTCCTGTTGTTTCTGCGGGAAGGAAGAGTAAGGGAGAGTGAAGTGAA-3'
Protein context (NP_001098676.2, residues 516-536): HEKQQERVRE[Gln526Pro]MEVVNMSLST

ClinVar aggregate classification (germline): Uncertain significance. Review status: criteria provided, multiple submitters, no conflicts (2 of 4 stars). 2 submissions from 2 submitters: Uncertain significance (2). Last evaluated 2024-09-03.

Conditions:
Cardiovascular phenotype. Identifiers: MedGen CN230736.

Allele frequency attached by ClinVar (database versions not stated): gnomAD exomes below 0.00001.
gnomAD v4.1: 1 of 1,612,972 alleles (0.000062%); highest among the groups gnomAD compares: Non-Finnish European, 0.000085%; no homozygotes.

Submissions (2):

GeneDx
Classification: Uncertain significance. Last evaluated: 2024-09-03. Review status: criteria provided, single submitter. Criteria: GeneDx Variant Classification Process June 2021. Collection method: clinical testing. Allele origin: germline. Affected: yes.
Comment: Not observed at significant frequency in large population cohorts (gnomAD); In silico analysis supports that this missense variant has a deleterious effect on protein structure/function; Has not been previously published as pathogenic or benign to our knowledge

Ambry Genetics
Classification: Uncertain significance for Cardiovascular phenotype. Last evaluated: 2022-11-07. Review status: criteria provided, single submitter. Criteria: Ambry Variant Classification Scheme 2023. Collection method: clinical testing. Allele origin: germline.
Comment: The p.Q519P variant (also known as c.1556A>C), located in coding exon 12 of the LAMA4 gene, results from an A to C substitution at nucleotide position 1556. The glutamine at codon 519 is replaced by proline, an amino acid with similar properties. This amino acid position is conserved. In addition, this alteration is predicted to be tolerated by in silico analysis. Since supporting evidence is limited at this time, the clinical significance of this alteration remains unclear.